The following is an entry in ClinVar:

NM_000180.4(GUCY2D):c.1469G>A (p.Arg490Gln)

Gene: GUCY2D (guanylate cyclase 2D, retinal; plus strand). Cytogenetic location: 17p13.1.
Variant type: single nucleotide variant.
Coding change: c.1469G>A on transcript NM_000180.4 (MANE Select); coding-DNA position 1469, G replaced by A.
Protein change: p.Arg490Gln; replaces arginine 490 with glutamine.
Molecular consequence: missense variant.
Genome position (GRCh38, 1-based): chr17:8,007,431, G>A. VCF-style: chr17-8007431-G-A. GRCh37 (hg19) VCF-style: chr17-7910749-G-A.
Other names: c.1469G>A (NM_000180.3); short protein forms R490Q.
Identifiers: ClinVar variation 1018173 (VCV001018173.11), dbSNP rs753488664, ClinGen allele CA8365771.
Genomic context (GRCh38, chr17:8,007,431, plus strand): 5'-GTCTCTTCTGACGGAACTTGGTGCCCTTGGTGGAGGTGACCTCTTTCTCCACCAGGCACC[G>A]GCTACTTCACATGCAAATGGTCTCCGGCCCCAACAAGATCATCCTGACCGTGGACGACAT-3'
Protein context (NP_000171.1, residues 480-500): GAFLAHYVRH[Arg490Gln]LLHMQMVSGP

ClinVar aggregate classification (germline): Conflicting classifications of pathogenicity. Review status: criteria provided, conflicting classifications (1 of 4 stars). 4 submissions from 4 submitters: Uncertain significance (3); Likely benign (1). Last evaluated 2026-09-23.

Conditions:
Inborn genetic diseases. Identifiers: MedGen C0950123, MeSH D030342.
Leber congenital amaurosis 1 (LCA1). Also called: AMAUROSIS CONGENITA OF LEBER I; Congenital absence of the rods and cones; Leber's congenital tapetoretinal degeneration; Leber's congenital tapetoretinal dysplasia; RETINAL BLINDNESS, CONGENITAL. Identifiers: Orphanet 65, MedGen C2931258, MONDO:0008764, OMIM 204000.
Cone-rod dystrophy 6 (CORD6). Also called: Cone dystrophy progressive; RETINAL CONE DYSTROPHY 2. Identifiers: Orphanet 1872, MedGen C1866293, MONDO:0011143, OMIM 601777.
GUCY2D-related disorder. Also called: GUCY2D-related condition.

Allele frequency attached by ClinVar (database versions not stated): ExAC 0.00001; gnomAD 0.00002; TOPMed 0.00003.
gnomAD v4.1: 17 of 1,609,236 alleles (0.0011%); highest among the groups gnomAD compares: Middle Eastern, 0.016%; no homozygotes.

Submissions (4):

PreventionGenetics, part of Exact Sciences
Classification: Uncertain significance for GUCY2D-related condition. Last evaluated: 2026-09-23. Review status: criteria provided, single submitter. Criteria: ACMG Guidelines, 2015. Collection method: clinical testing. Allele origin: germline.
Comment: The GUCY2D c.1469G>A variant is predicted to result in the amino acid substitution p.Arg490Gln. To our knowledge, this variant has not been reported in the literature. This variant is reported in 0.0046% of alleles in individuals of European (Non-Finnish) descent in gnomAD. At this time, the clinical significance of this variant is uncertain due to the absence of conclusive functional and genetic evidence.

Labcorp Genetics (formerly Invitae), Labcorp
Classification: Uncertain significance for Leber congenital amaurosis 1; Cone-rod dystrophy 6. Last evaluated: 2025-09-19. Review status: criteria provided, single submitter. Criteria: Invitae Variant Classification Sherloc (09022015). Collection method: clinical testing. Allele origin: germline.
Comment: This sequence change replaces arginine, which is basic and polar, with glutamine, which is neutral and polar, at codon 490 of the GUCY2D protein (p.Arg490Gln). This variant is present in population databases (rs753488664, gnomAD 0.005%). This variant has not been reported in the literature in individuals affected with GUCY2D-related conditions. ClinVar contains an entry for this variant (Variation ID: 1018173). Invitae Evidence Modeling of protein sequence and biophysical properties (such as structural, functional, and spatial information, amino acid conservation, physicochemical variation, residue mobility, and thermodynamic stability) indicates that this missense variant is not expected to disrupt GUCY2D protein function with a negative predictive value of 80%. In summary, the available evidence is currently insufficient to determine the role of this variant in disease. Therefore, it has been classified as a Variant of Uncertain Significance.

Ambry Genetics
Classification: Likely benign for Inborn genetic diseases. Last evaluated: 2025-07-15. Review status: criteria provided, single submitter. Criteria: Ambry Variant Classification Scheme 2023. Collection method: clinical testing. Allele origin: germline.

Blueprint Genetics
Classification: Uncertain significance. Last evaluated: 2024-04-08. Review status: criteria provided, single submitter. Criteria: ACMG Guidelines, 2015. Collection method: clinical testing. Allele origin: germline.